The following is an entry in ClinVar:

NM_004364.5(CEBPA):c.914A>C (p.Gln305Pro)

Gene: CEBPA (CCAAT enhancer binding protein alpha; minus strand). Cytogenetic location: 19q13.11.
Variant type: single nucleotide variant.
Coding change: c.914A>C on transcript NM_004364.5 (MANE Select); coding-DNA position 914, A replaced by C.
Protein change: p.Gln305Pro; replaces glutamine 305 with proline.
Molecular consequence: missense variant.
Genome position (GRCh38, 1-based): chr19:33,301,501, T>G on the plus strand (A>C on the coding strand, the complement: CEBPA is on the minus strand). VCF-style: chr19-33301501-T-G. GRCh37 (hg19) VCF-style: chr19-33792407-T-G.
Other names: c.557A>C, p.Gln186Pro (NM_001285829.2); c.1019A>C, p.Gln340Pro (NM_001287424.2); c.872A>C, p.Gln291Pro (NM_001287435.2); short protein forms Q186P, Q291P, Q305P, Q340P.
Identifiers: ClinVar variation 1338593 (VCV001338593.5), dbSNP rs1479225242, ClinGen allele CA405273937.
Genomic context (GRCh38, chr19:33,301,501, plus strand): 5'-CGCAGGCGGTCATTGTCACTGGTCAGCTCCAGCACCTTCTGCTGCGTCTCCACGTTGCGC[T>G]GCTTGGCCTTGTCGCGGCTCTTGCGCACCGCGATGTTGTTGCGCTCGCGCCGCACCCGGT-3'
Protein context (NP_004355.2, residues 295-315): AVRKSRDKAK[Gln305Pro]RNVETQQKVL

ClinVar aggregate classification (germline): Uncertain significance (1 of 4 stars; one submission).

Submission:

Genetic Services Laboratory, University of Chicago
Classification: Uncertain significance. Last evaluated: 2020-06-26. Review status: criteria provided, single submitter. Criteria: ACMG Guidelines, 2015. Collection method: clinical testing. Allele origin: germline. Affected: no.
Comment: DNA sequence analysis of the CEBPA gene demonstrated a sequence change, c.914A>C, in exon 1 that results in an amino acid change, p.Gln305Pro. This sequence change does not appear to have been previously described in patients with CEBPA-related disorders and has also not been described in population databases (gnomAD, ExAC). The p.Gln305Pro change affects a moderately conserved amino acid residue located in the basic-leucine zipper (bZIP) domain of the CEBPA protein that is known to be functional. This variant has been observed in a patient with acute myeloid leukemia together with an additional frameshift variant in the CEBPA gene (PMID: 29773598), however it is unclear if this variant was present in the germline or somatic state. A different amino acid change affecting the same residue (p.Gln305Arg) has been reported in ClinVar, however the associated phenotypic details are not known. In-silico pathogenicity prediction tools (SIFT, PolyPhen2, Align GVGD, REVEL) provide contradictory results for the p.Gln305Pro substitution. Due to these contrasting evidences and the lack of functional studies, the clinical significance of the p.Gln305Pro change remains unknown at this time.